The following is an entry in ClinVar:

NM_005859.5(PURA):c.77C>G (p.Ser26Trp)

Gene: PURA (purine rich element binding protein A; plus strand). Cytogenetic location: 5q31.3.
Variant type: single nucleotide variant.
Coding change: c.77C>G on transcript NM_005859.5 (MANE Select); coding-DNA position 77, C replaced by G.
Protein change: p.Ser26Trp; replaces serine 26 with tryptophan.
Molecular consequence: missense variant.
Genome position (GRCh38, 1-based): chr5:140,114,258, C>G. VCF-style: chr5-140114258-C-G. GRCh37 (hg19) VCF-style: chr5-139493843-C-G.
Other names: short protein forms S26W.
Identifiers: ClinVar variation 4709799 (VCV004709799.1).
Genomic context (GRCh38, chr5:140,114,258, plus strand): 5'-GCGGCAGCGAGCAGGGTGGTGCGGCGCTGGGTTCGGGCGGCTCCCTGGGGCACCCCGGCT[C>G]GGGCTCAGGCTCCGGCGGGGGCGGTGGTGGCGGCGGGGGCGGCGGCGGCAGTGGCGGCGG-3'
Protein context (NP_005850.1, residues 16-36): GSGGSLGHPG[Ser26Trp]GSGSGGGGGG

ClinVar aggregate classification (germline): Uncertain significance (1 of 4 stars; one submission).

Conditions:
PURA-related severe neonatal hypotonia-seizures-encephalopathy syndrome (NEDRIHF). Also called: PURA-Related Neurodevelopmental Disorders; NEURODEVELOPMENTAL DISORDER WITH NEONATAL RESPIRATORY INSUFFICIENCY, HYPOTONIA, AND FEEDING DIFFICULTIES. Identifiers: Orphanet 438213, Orphanet 438216, MedGen C4015357, MONDO:1060108, OMIM 616158, MONDO:0018580.

Submission:

Labcorp Genetics (formerly Invitae), Labcorp
Classification: Uncertain significance for PURA-related severe neonatal hypotonia-seizures-encephalopathy syndrome. Last evaluated: 2025-06-10. Review status: criteria provided, single submitter. Criteria: Invitae Variant Classification Sherloc (09022015). Collection method: clinical testing. Allele origin: germline.
Comment: This sequence change replaces serine, which is neutral and polar, with tryptophan, which is neutral and slightly polar, at codon 26 of the PURA protein (p.Ser26Trp). The frequency data for this variant in the population databases is considered unreliable, as metrics indicate insufficient coverage at this position in the gnomAD database. This variant has not been reported in the literature in individuals affected with PURA-related conditions. Invitae Evidence Modeling of protein sequence and biophysical properties (such as structural, functional, and spatial information, amino acid conservation, physicochemical variation, residue mobility, and thermodynamic stability) indicates that this missense variant is not expected to disrupt PURA protein function with a negative predictive value of 95%. In summary, the available evidence is currently insufficient to determine the role of this variant in disease. Therefore, it has been classified as a Variant of Uncertain Significance.